The following is an entry in ClinVar:

NM_014918.5(CHSY1):c.975C>T (p.Ser325=)

Gene: CHSY1 (chondroitin sulfate synthase 1; minus strand). Cytogenetic location: 15q26.3.
Variant type: single nucleotide variant.
Coding change: c.975C>T on transcript NM_014918.5 (MANE Select); coding-DNA position 975, C replaced by T.
Protein change: p.Ser325=; no amino-acid change (serine 325 retained).
Molecular consequence: synonymous variant.
Genome position (GRCh38, 1-based): chr15:101,178,822, G>A on the plus strand (C>T on the coding strand, the complement: CHSY1 is on the minus strand). VCF-style: chr15-101178822-G-A. GRCh37 (hg19) VCF-style: chr15-101719027-G-A.
Other names: c.975C>T (NM_014918.4).
Identifiers: ClinVar variation 1598789 (VCV001598789.11), dbSNP rs142783588, ClinGen allele CA7762621.

ClinVar aggregate classification (germline): Benign/Likely benign. Review status: criteria provided, multiple submitters, no conflicts (2 of 4 stars). 3 submissions from 3 submitters: Benign (1); Likely benign (1). 1 of the submissions does not count toward it. Last evaluated 2025-10-01.

Conditions:
Temtamy preaxial brachydactyly syndrome (TPBS). Identifiers: Orphanet 363417, MedGen C1854466, MONDO:0011533, OMIM 605282.
CHSY1-related disorder. Also called: CHSY1-related condition.

Allele frequency attached by ClinVar (database versions not stated): gnomAD exomes 0.00015 and 0.00034; ExAC 0.00041; 1000 Genomes Project 0.00080; 1000 Genomes Project 30x 0.00094; ESP Exome Variant Server 0.00108; gnomAD 0.00117 and 0.00124; TOPMed 0.00128.
gnomAD v4.1: 413 of 1,614,178 alleles (0.026%); highest among the groups gnomAD compares: African/African-American, 0.41%; 2 homozygotes.

Submissions (3):

Labcorp Genetics (formerly Invitae), Labcorp
Classification: Benign for Temtamy preaxial brachydactyly syndrome. Last evaluated: 2025-10-01. Review status: criteria provided, single submitter. Criteria: Invitae Variant Classification Sherloc (09022015). Collection method: clinical testing. Allele origin: germline.

Blueprint Genetics
Classification: Likely benign. Last evaluated: 2024-10-10. Review status: criteria provided, single submitter. Criteria: ACMG Guidelines, 2015. Collection method: clinical testing. Allele origin: germline.

PreventionGenetics, part of Exact Sciences
Classification: Likely benign for CHSY1-related condition. Last evaluated: 2023-07-10. Review status: no assertion criteria provided. Collection method: clinical testing. Allele origin: germline. Not counted in ClinVar's aggregate classification.
Comment: This variant is classified as likely benign based on ACMG/AMP sequence variant interpretation guidelines (Richards et al. 2015 PMID: 25741868, with internal and published modifications).